The following is an entry in ClinVar:

ClinVar aggregate classification (germline): Conflicting classifications of pathogenicity. Review status: criteria provided, conflicting classifications (1 of 4 stars). 3 submissions from 3 submitters: Uncertain significance (2); Likely benign (1). Last evaluated 2025-07-23.

Conditions:
JAG1-related disorder. Also called: JAG1-related condition; JAG1-related disorders.
Cardiovascular phenotype. Identifiers: MedGen CN230736.
Alagille syndrome due to a JAG1 point mutation. Also called: HEPATIC DUCTULAR HYPOPLASIA, SYNDROMATIC; JAG1-Related Alagille Syndrome; Alagille Syndrome 1. Identifiers: Orphanet 261619, Orphanet 52, MedGen C1956125, MONDO:0016862, OMIM 118450.

Allele frequency attached by ClinVar (database versions not stated): gnomAD exomes 0.00002.
gnomAD v4.1: 10 of 1,614,194 alleles (0.00062%); highest among the groups gnomAD compares: Non-Finnish European, 0.00076%; no homozygotes.

Submissions (3):

PreventionGenetics, part of Exact Sciences
Classification: Uncertain significance for JAG1-related condition. Last evaluated: 2025-07-23. Review status: criteria provided, single submitter. Criteria: ACMG Guidelines, 2015. Collection method: clinical testing. Allele origin: germline.
Comment: The JAG1 c.566A>G variant is predicted to result in the amino acid substitution p.Asp189Gly. To our knowledge, this variant has not been reported in the literature. This variant is reported in 0.00088% of alleles in individuals of European (Non-Finnish) descent in gnomAD. At this time, the clinical significance of this variant is uncertain due to the absence of conclusive functional and genetic evidence.

Labcorp Genetics (formerly Invitae), Labcorp
Classification: Likely benign for Alagille syndrome due to a JAG1 point mutation. Last evaluated: 2023-04-24. Review status: criteria provided, single submitter. Criteria: Invitae Variant Classification Sherloc (09022015). Collection method: clinical testing. Allele origin: germline.

Ambry Genetics
Classification: Uncertain significance for Cardiovascular phenotype. Last evaluated: 2022-12-16. Review status: criteria provided, single submitter. Criteria: Ambry Variant Classification Scheme 2023. Collection method: clinical testing. Allele origin: germline.
Comment: The p.D189G variant (also known as c.566A>G), located in coding exon 4 of the JAG1 gene, results from an A to G substitution at nucleotide position 566. The aspartic acid at codon 189 is replaced by glycine, an amino acid with similar properties. This amino acid position is conserved. In addition, the in silico prediction for this alteration is inconclusive. Since supporting evidence is limited at this time, the clinical significance of this alteration remains unclear.

NM_000214.3(JAG1):c.566A>G (p.Asp189Gly)

Gene: JAG1 (jagged canonical Notch ligand 1; minus strand). Cytogenetic location: 20p12.2.
Variant type: single nucleotide variant.
Coding change: c.566A>G on transcript NM_000214.3 (MANE Select); coding-DNA position 566, A replaced by G.
Protein change: p.Asp189Gly; replaces aspartic acid 189 with glycine.
Molecular consequence: missense variant.
Genome position (GRCh38, 1-based): chr20:10,658,596, T>C on the plus strand (A>G on the coding strand, the complement: JAG1 is on the minus strand). VCF-style: chr20-10658596-T-C. GRCh37 (hg19) VCF-style: chr20-10639244-T-C.
Other names: c.566A>G (NM_000214.2); short protein forms D189G.
Identifiers: ClinVar variation 2140787 (VCV002140787.7), dbSNP rs1362570122, ClinGen allele CA408240246.